The following is an entry in ClinVar:

NM_000444.6(PHEX):c.388G>A (p.Glu130Lys)

Gene: PHEX (phosphate regulating endopeptidase X-linked; plus strand). Cytogenetic location: Xp22.11.
Variant type: single nucleotide variant.
Coding change: c.388G>A on transcript NM_000444.6 (MANE Select); coding-DNA position 388, G replaced by A.
Protein change: p.Glu130Lys; replaces glutamic acid 130 with lysine.
Molecular consequence: missense variant.
Genome position (GRCh38, 1-based): chrX:22,076,426, G>A. VCF-style: chrX-22076426-G-A. GRCh37 (hg19) VCF-style: chrX-22094544-G-A.
Other names: c.388G>A, p.Glu130Lys (NM_001282754.2); short protein forms E130K.
Identifiers: ClinVar variation 3598211 (VCV003598211.2).
Genomic context (GRCh38, chrX:22,076,426, plus strand): 5'-AATCCTTTCTTAACCTTCCCAGAACTTTTGGAGAAATCAATCAGTAGAAGGCGGGACACC[G>A]AAGCCATACAGAAAGCCAAAATCCTTTATTCATCCTGCATGAATGAGAGTGAGTGATGAA-3'
Protein context (NP_000435.3, residues 120-140): EKSISRRRDT[Glu130Lys]AIQKAKILYS

ClinVar aggregate classification (germline): Uncertain significance. Review status: criteria provided, multiple submitters, no conflicts (2 of 4 stars). 2 submissions from 2 submitters: Uncertain significance (2). Last evaluated 2025-04-10.

Conditions:
Familial X-linked hypophosphatemic vitamin D refractory rickets (XLHRD). Also called: X-Linked Hypophosphatemia; Hypophosphatemia, vitamin D-resistant rickets; Vitamin D-resistant rickets, X-linked; Hypophosphatemic Rickets, X-Linked Dominant; HYPOPHOSPHATEMIC VITAMIN D-RESISTANT RICKETS. Identifiers: Orphanet 89936, MedGen C0733682, MONDO:0010619, OMIM 307800.

gnomAD v4.1: 7 of 1,208,773 alleles (0.00058%); highest among the groups gnomAD compares: Non-Finnish European, 0.00078%; no homozygotes.

Submissions (2):

Labcorp Genetics (formerly Invitae), Labcorp
Classification: Uncertain significance. Last evaluated: 2025-04-10. Review status: criteria provided, single submitter. Criteria: Invitae Variant Classification Sherloc (09022015). Collection method: clinical testing. Allele origin: germline.
Comment: This sequence change replaces glutamic acid, which is acidic and polar, with lysine, which is basic and polar, at codon 130 of the PHEX protein (p.Glu130Lys). The frequency data for this variant in the population databases is considered unreliable, as metrics indicate poor data quality at this position in the gnomAD database. This variant has not been reported in the literature in individuals affected with PHEX-related conditions. ClinVar contains an entry for this variant (Variation ID: 3598211). Invitae Evidence Modeling of protein sequence and biophysical properties (such as structural, functional, and spatial information, amino acid conservation, physicochemical variation, residue mobility, and thermodynamic stability) has been performed for this missense variant. However, the output from this modeling did not meet the statistical confidence thresholds required to predict the impact of this variant on PHEX protein function. In summary, the available evidence is currently insufficient to determine the role of this variant in disease. Therefore, it has been classified as a Variant of Uncertain Significance.

Fulgent Genetics
Classification: Uncertain significance for Familial X-linked hypophosphatemic vitamin D refractory rickets. Last evaluated: 2023-12-27. Review status: criteria provided, single submitter. Criteria: ACMG Guidelines, 2015. Collection method: clinical testing. Allele origin: germline.